The following is an entry in ClinVar:

NM_000062.3(SERPING1):c.932A>G (p.Glu311Gly)

Gene: SERPING1 (serpin family G member 1; plus strand). Cytogenetic location: 11q12.1.
Variant type: single nucleotide variant.
Coding change: c.932A>G on transcript NM_000062.3 (MANE Select); coding-DNA position 932, A replaced by G.
Protein change: p.Glu311Gly; replaces glutamic acid 311 with glycine.
Molecular consequence: missense variant.
Genome position (GRCh38, 1-based): chr11:57,606,450, A>G. VCF-style: chr11-57606450-A-G. GRCh37 (hg19) VCF-style: chr11-57373923-A-G.
Other names: c.932A>G, p.Glu311Gly (NM_001032295.2); short protein forms E311G.
Identifiers: ClinVar variation 2750707 (VCV002750707.3), dbSNP rs2495442235, ClinGen allele CA380700325.

ClinVar aggregate classification (germline): Uncertain significance (1 of 4 stars; one submission).

Submission:

Labcorp Genetics (formerly Invitae), Labcorp
Classification: Uncertain significance. Last evaluated: 2023-08-14. Review status: criteria provided, single submitter. Criteria: Invitae Variant Classification Sherloc (09022015). Collection method: clinical testing. Allele origin: germline.
Comment: Advanced modeling of protein sequence and biophysical properties (such as structural, functional, and spatial information, amino acid conservation, physicochemical variation, residue mobility, and thermodynamic stability) has been performed at Invitae for this missense variant, however the output from this modeling did not meet the statistical confidence thresholds required to predict the impact of this variant on SERPING1 protein function. In summary, the available evidence is currently insufficient to determine the role of this variant in disease. Therefore, it has been classified as a Variant of Uncertain Significance. This sequence change replaces glutamic acid, which is acidic and polar, with glycine, which is neutral and non-polar, at codon 311 of the SERPING1 protein (p.Glu311Gly). This variant has not been reported in the literature in individuals affected with SERPING1-related conditions. This variant is not present in population databases (gnomAD no frequency).